The following is an entry in ClinVar:

ClinVar aggregate classification (germline): Likely benign. Review status: criteria provided, multiple submitters, no conflicts (2 of 4 stars). 4 submissions from 4 submitters: Likely benign (3). 1 of the submissions does not count toward it. Last evaluated 2024-10-29.

Conditions:
ARMC5-related disorder. Also called: ARMC5-related condition.

Allele frequency attached by ClinVar (database versions not stated): ExAC 0.00002; gnomAD exomes 0.00003; gnomAD 0.00005 and 0.00006; TOPMed 0.00007.
gnomAD v4.1: 115 of 1,603,920 alleles (0.0072%); highest among the groups gnomAD compares: Middle Eastern, 0.066%; 2 homozygotes.

Submissions (4):

Blueprint Genetics
Classification: Likely benign. Last evaluated: 2024-10-29. Review status: criteria provided, single submitter. Criteria: ACMG Guidelines, 2015. Collection method: clinical testing. Allele origin: germline.

Labcorp Genetics (formerly Invitae), Labcorp
Classification: Likely benign. Last evaluated: 2018-08-08. Review status: criteria provided, single submitter. Criteria: Invitae Variant Classification Sherloc (09022015). Collection method: clinical testing. Allele origin: germline.

Breakthrough Genomics
Classification: Likely benign. Review status: criteria provided, single submitter. Criteria: ACMG Guidelines, 2015. Collection method: not provided. Allele origin: germline. Inheritance: Autosomal dominant inheritance. Affected: yes.

PreventionGenetics, part of Exact Sciences
Classification: Likely benign for ARMC5-related condition. Last evaluated: 2020-01-10. Review status: no assertion criteria provided. Collection method: clinical testing. Allele origin: germline. Not counted in ClinVar's aggregate classification.
Comment: This variant is classified as likely benign based on ACMG/AMP sequence variant interpretation guidelines (Richards et al. 2015 PMID: 25741868, with internal and published modifications).

NM_001105247.2(ARMC5):c.1491G>A (p.Ser497=)

Gene: ARMC5 (armadillo repeat containing 5; plus strand). Cytogenetic location: 16p11.2.
Variant type: single nucleotide variant.
Coding change: c.1491G>A on transcript NM_001105247.2 (MANE Select); coding-DNA position 1491, G replaced by A.
Protein change: p.Ser497=; no amino-acid change (serine 497 retained).
Molecular consequence: synonymous variant.
Genome position (GRCh38, 1-based): chr16:31,464,514, G>A. VCF-style: chr16-31464514-G-A. GRCh37 (hg19) VCF-style: chr16-31475835-G-A.
Other names: c.1776G>A, p.Ser592= (NM_001288767.2); c.1587G>A, p.Ser529= (NM_001301820.1); c.1491G>A, p.Ser497= (NM_024742.2); c.1776G>A (NM_001288767.1).
Identifiers: ClinVar variation 762209 (VCV000762209.7), dbSNP rs767370525, ClinGen allele CA8029698.
Genomic context (GRCh38, chr16:31,464,514, plus strand): 5'-TCCTGAGCAGTGTCCGCCGGAGCCCATGGAGCCGGCCAGCCCCGCCCCGACCCCGACCTC[G>A]CTGCGGGCACCACGCACCCAACGCACTCCGGGCCGCAGCCCCGCCGCCGCCATCGAGGAG-3'
Protein context (NP_001098717.1, residues 487-507): EPASPAPTPT[Ser497=]LRAPRTQRTP